The following is an entry in ClinVar:

NM_198578.4(LRRK2):c.2251A>G (p.Lys751Glu)

Gene: LRRK2 (leucine rich repeat kinase 2; plus strand). Cytogenetic location: 12q12.
Variant type: single nucleotide variant.
Coding change: c.2251A>G on transcript NM_198578.4 (MANE Select); coding-DNA position 2251, A replaced by G.
Protein change: p.Lys751Glu; replaces lysine 751 with glutamic acid.
Molecular consequence: missense variant.
Genome position (GRCh38, 1-based): chr12:40,283,884, A>G. VCF-style: chr12-40283884-A-G. GRCh37 (hg19) VCF-style: chr12-40677686-A-G.
Other names: short protein forms K751E.
Identifiers: ClinVar variation 1788436 (VCV001788436.2), dbSNP rs2499663752, ClinGen allele CA384406317.

ClinVar aggregate classification (germline): Uncertain significance (1 of 4 stars; one submission).

Conditions:
Inborn genetic diseases. Identifiers: MedGen C0950123, MeSH D030342.

Submission:

Ambry Genetics
Classification: Uncertain significance for Inborn genetic diseases. Last evaluated: 2021-08-29. Review status: criteria provided, single submitter. Criteria: Ambry Variant Classification Scheme 2023. Collection method: clinical testing. Allele origin: germline.
Comment: The p.K751E variant (also known as c.2251A>G), located in coding exon 19 of the LRRK2 gene, results from an A to G substitution at nucleotide position 2251. The lysine at codon 751 is replaced by glutamic acid, an amino acid with similar properties. This amino acid position is conserved. In addition, the in silico prediction for this alteration is inconclusive. Since supporting evidence is limited at this time, the clinical significance of this alteration remains unclear.